The following is an entry in ClinVar:

NM_032861.4(SERAC1):c.553G>A (p.Glu185Lys)

Gene: SERAC1 (serine active site containing 1; minus strand). Cytogenetic location: 6q25.3.
Variant type: single nucleotide variant.
Coding change: c.553G>A on transcript NM_032861.4 (MANE Select); coding-DNA position 553, G replaced by A.
Protein change: p.Glu185Lys; replaces glutamic acid 185 with lysine.
Molecular consequence: missense variant. On other transcripts: non-coding transcript variant (1).
Genome position (GRCh38, 1-based): chr6:158,144,355, C>T on the plus strand (G>A on the coding strand, the complement: SERAC1 is on the minus strand). VCF-style: chr6-158144355-C-T. GRCh37 (hg19) VCF-style: chr6-158565387-C-T.
Other names: short protein forms E185K.
Identifiers: ClinVar variation 379676 (VCV000379676.10), dbSNP rs543967244, ClinGen allele CA4071328.

ClinVar aggregate classification (germline): Conflicting classifications of pathogenicity. Review status: criteria provided, conflicting classifications (1 of 4 stars). 3 submissions from 3 submitters: Uncertain significance (1); Likely benign (2). Last evaluated 2024-10-21.

Conditions:
Inborn genetic diseases. Identifiers: MedGen C0950123, MeSH D030342.
3-methylglutaconic aciduria with deafness, encephalopathy, and Leigh-like syndrome (MEGDEL). Also called: SERAC1 Deficiency; 3-METHYLGLUTACONIC ACIDURIA, TYPE VI; MEGDEL syndrome. Identifiers: Orphanet 352328, MedGen C4040739, MONDO:0013875, OMIM 614739.

Allele frequency attached by ClinVar (database versions not stated): gnomAD exomes below 0.00001 and 0.00001; ExAC 0.00001; gnomAD 0.00003 and 0.00004; TOPMed 0.00005; 1000 Genomes Project 30x 0.00016; 1000 Genomes Project 0.00020.
gnomAD v4.1: 16 of 1,613,460 alleles (0.00099%); highest among the groups gnomAD compares: African/African-American, 0.0067%; no homozygotes.

Submissions (3):

Labcorp Genetics (formerly Invitae), Labcorp
Classification: Uncertain significance for 3-methylglutaconic aciduria with deafness, encephalopathy, and Leigh-like syndrome. Last evaluated: 2024-10-21. Review status: criteria provided, single submitter. Criteria: Invitae Variant Classification Sherloc (09022015). Collection method: clinical testing. Allele origin: germline.
Comment: This sequence change replaces glutamic acid, which is acidic and polar, with lysine, which is basic and polar, at codon 185 of the SERAC1 protein (p.Glu185Lys). This variant is present in population databases (rs543967244, gnomAD 0.007%). This variant has not been reported in the literature in individuals affected with SERAC1-related conditions. ClinVar contains an entry for this variant (Variation ID: 379676). Invitae Evidence Modeling of protein sequence and biophysical properties (such as structural, functional, and spatial information, amino acid conservation, physicochemical variation, residue mobility, and thermodynamic stability) indicates that this missense variant is not expected to disrupt SERAC1 protein function with a negative predictive value of 80%. In summary, the available evidence is currently insufficient to determine the role of this variant in disease. Therefore, it has been classified as a Variant of Uncertain Significance.

Ambry Genetics
Classification: Likely benign for Inborn genetic diseases. Last evaluated: 2022-12-23. Review status: criteria provided, single submitter. Criteria: Ambry Variant Classification Scheme 2023. Collection method: clinical testing. Allele origin: germline.

GeneDx
Classification: Likely benign. Last evaluated: 2015-06-10. Review status: criteria provided, single submitter. Criteria: GeneDx Variant Classification (06012015). Collection method: clinical testing. Allele origin: germline. Affected: yes.
Comment: This variant is considered likely benign or benign based on one or more of the following criteria: it is a conservative change, it occurs at a poorly conserved position in the protein, it is predicted to be benign by multiple in silico algorithms, and/or has population frequency not consistent with disease.